The following is an entry in ClinVar:

NM_001135146.2(SLC39A8):c.410C>T (p.Thr137Met)

Gene: SLC39A8 (solute carrier family 39 member 8; minus strand). Cytogenetic location: 4q24.
Variant type: single nucleotide variant.
Coding change: c.410C>T on transcript NM_001135146.2 (MANE Select); coding-DNA position 410, C replaced by T.
Protein change: p.Thr137Met; replaces threonine 137 with methionine.
Molecular consequence: missense variant.
Genome position (GRCh38, 1-based): chr4:102,307,578, G>A on the plus strand (C>T on the coding strand, the complement: SLC39A8 is on the minus strand). VCF-style: chr4-102307578-G-A. GRCh37 (hg19) VCF-style: chr4-103228735-G-A.
Other names: c.410C>T, p.Thr137Met (NM_001135147.1, NM_022154.5); c.209C>T, p.Thr70Met (NM_001135148.2); short protein forms T137M, T70M.
Identifiers: ClinVar variation 1690812 (VCV001690812.2), dbSNP rs1370428884, ClinGen allele CA357754335.

ClinVar aggregate classification (germline): Uncertain significance (1 of 4 stars; one submission).

Allele frequency attached by ClinVar (database versions not stated): gnomAD exomes below 0.00001; gnomAD 0.00001.
gnomAD v4.1: 4 of 1,613,086 alleles (0.00025%); highest among the groups gnomAD compares: Admixed American, 0.0017%; no homozygotes.

Submission:

Laboratorio de Genetica e Diagnostico Molecular, Hospital Israelita Albert Einstein
Classification: Uncertain significance. Last evaluated: 2020-02-19. Review status: criteria provided, single submitter. Criteria: ACMG Guidelines, 2015. Collection method: clinical testing. Allele origin: germline. Affected: yes.
Comment: ACMG classification criteria: PM2